The following is an entry in ClinVar:

ClinVar aggregate classification (germline): Uncertain significance. Review status: criteria provided, multiple submitters, no conflicts (2 of 4 stars). 2 submissions from 2 submitters: Uncertain significance (2). Last evaluated 2025-02-18.

gnomAD v4.1: 17 of 1,384,966 alleles (0.0012%); highest among the groups gnomAD compares: East Asian, 0.041%; no homozygotes.

Submissions (2):

Labcorp Genetics (formerly Invitae), Labcorp
Classification: Uncertain significance. Last evaluated: 2025-02-18. Review status: criteria provided, single submitter. Criteria: Invitae Variant Classification Sherloc (09022015). Collection method: clinical testing. Allele origin: germline.
Comment: This sequence change replaces proline, which is neutral and non-polar, with leucine, which is neutral and non-polar, at codon 4 of the COL9A3 protein (p.Pro4Leu). This variant is present in population databases (rs749401290, gnomAD 0.08%). This variant has not been reported in the literature in individuals affected with COL9A3-related conditions. ClinVar contains an entry for this variant (Variation ID: 1314108). Invitae Evidence Modeling of protein sequence and biophysical properties (such as structural, functional, and spatial information, amino acid conservation, physicochemical variation, residue mobility, and thermodynamic stability) indicates that this missense variant is not expected to disrupt COL9A3 protein function with a negative predictive value of 95%. In summary, the available evidence is currently insufficient to determine the role of this variant in disease. Therefore, it has been classified as a Variant of Uncertain Significance.

GeneDx
Classification: Uncertain significance. Last evaluated: 2021-02-05. Review status: criteria provided, single submitter. Criteria: GeneDx Variant Classification Process June 2021. Collection method: clinical testing. Allele origin: germline. Affected: yes.
Comment: Has not been previously published as pathogenic or benign to our knowledge; In silico analysis supports that this missense variant does not alter protein structure/function

NM_001853.4(COL9A3):c.11C>T (p.Pro4Leu)

Gene: COL9A3 (collagen type IX alpha 3 chain; plus strand). Cytogenetic location: 20q13.33.
Variant type: single nucleotide variant.
Coding change: c.11C>T on transcript NM_001853.4 (MANE Select); coding-DNA position 11, C replaced by T.
Protein change: p.Pro4Leu; replaces proline 4 with leucine.
Molecular consequence: missense variant.
Genome position (GRCh38, 1-based): chr20:62,817,075, C>T. VCF-style: chr20-62817075-C-T. GRCh37 (hg19) VCF-style: chr20-61448427-C-T.
Other names: short protein forms P4L.
Identifiers: ClinVar variation 1314108 (VCV001314108.7), dbSNP rs749401290, ClinGen allele CA9948982.